The following is an entry in ClinVar:

NM_002693.3(POLG):c.1729T>G (p.Cys577Gly)

Gene: POLG (DNA polymerase gamma, catalytic subunit; minus strand). Cytogenetic location: 15q26.1.
Variant type: single nucleotide variant.
Coding change: c.1729T>G on transcript NM_002693.3 (MANE Select); coding-DNA position 1729, T replaced by G.
Protein change: p.Cys577Gly; replaces cysteine 577 with glycine.
Molecular consequence: missense variant.
Genome position (GRCh38, 1-based): chr15:89,325,670, A>C on the plus strand (T>G on the coding strand, the complement: POLG is on the minus strand). VCF-style: chr15-89325670-A-C. GRCh37 (hg19) VCF-style: chr15-89868901-A-C.
Other names: c.1729T>G, p.Cys577Gly (NM_001126131.2); short protein forms C577G.
Identifiers: ClinVar variation 3766354 (VCV003766354.1).

ClinVar aggregate classification (germline): Uncertain significance (1 of 4 stars; one submission).

Submission:

GeneDx
Classification: Uncertain significance. Last evaluated: 2024-08-29. Review status: criteria provided, single submitter. Criteria: GeneDx Variant Classification Process June 2021. Collection method: clinical testing. Allele origin: germline. Affected: yes.
Comment: Not observed at significant frequency in large population cohorts (gnomAD); In silico analysis supports that this missense variant has a deleterious effect on protein structure/function; Has not been previously published as pathogenic or benign to our knowledge